The following is an entry in ClinVar:

NM_001134831.2(AHI1):c.43C>T (p.Arg15Cys)

Gene: AHI1 (Abelson helper integration site 1; minus strand). Cytogenetic location: 6q23.3.
Variant type: single nucleotide variant.
Coding change: c.43C>T on transcript NM_001134831.2 (MANE Select); coding-DNA position 43, C replaced by T.
Protein change: p.Arg15Cys; replaces arginine 15 with cysteine.
Molecular consequence: missense variant.
Genome position (GRCh38, 1-based): chr6:135,490,715, G>A on the plus strand (C>T on the coding strand, the complement: AHI1 is on the minus strand). VCF-style: chr6-135490715-G-A. GRCh37 (hg19) VCF-style: chr6-135811853-G-A.
Other names: c.43C>T, p.Arg15Cys (NM_001134830.2, NM_001134832.2, NM_001350503.2 and 2 more transcripts); short protein forms R15C.
Identifiers: ClinVar variation 904081 (VCV000904081.9), dbSNP rs766052712, ClinGen allele CA365741303.

ClinVar aggregate classification (germline): Uncertain significance. Review status: criteria provided, multiple submitters, no conflicts (2 of 4 stars). 5 submissions from 5 submitters: Uncertain significance (5). Last evaluated 2022-07-01.

Conditions:
Joubert syndrome. Also called: Familial aplasia of the vermis; JOUBERT-BOLTSHAUSER SYNDROME. Identifiers: Orphanet 475, MedGen C5979921, MONDO:0018772.
Inborn genetic diseases. Identifiers: MedGen C0950123, MeSH D030342.
Joubert syndrome 3 (JBTS3). Also called: AHI1-related Ciliopathy. Identifiers: Orphanet 220493, MedGen C1837713, MONDO:0012078, OMIM 608629.

Allele frequency attached by ClinVar (database versions not stated): TOPMed below 0.00001.
gnomAD v4.1: 7 of 1,612,600 alleles (0.00043%); highest among the groups gnomAD compares: Admixed American, 0.0017%; no homozygotes.

Submissions (5):

Labcorp Genetics (formerly Invitae), Labcorp
Classification: Uncertain significance for Joubert syndrome. Last evaluated: 2022-07-01. Review status: criteria provided, single submitter. Criteria: Invitae Variant Classification Sherloc (09022015). Collection method: clinical testing. Allele origin: germline.
Comment: This sequence change replaces arginine, which is basic and polar, with cysteine, which is neutral and slightly polar, at codon 15 of the AHI1 protein (p.Arg15Cys). This variant is present in population databases (no rsID available, gnomAD 0.003%). This variant has not been reported in the literature in individuals affected with AHI1-related conditions. ClinVar contains an entry for this variant (Variation ID: 904081). Advanced modeling of protein sequence and biophysical properties (such as structural, functional, and spatial information, amino acid conservation, physicochemical variation, residue mobility, and thermodynamic stability) performed at Invitae indicates that this missense variant is not expected to disrupt AHI1 protein function. In summary, the available evidence is currently insufficient to determine the role of this variant in disease. Therefore, it has been classified as a Variant of Uncertain Significance.

Ambry Genetics
Classification: Uncertain significance for Inborn genetic diseases. Last evaluated: 2021-12-09. Review status: criteria provided, single submitter. Criteria: Ambry Variant Classification Scheme 2023. Collection method: clinical testing. Allele origin: germline.
Comment: The c.43C>T (p.R15C) alteration is located in exon 4 (coding exon 2) of the AHI1 gene. This alteration results from a C to T substitution at nucleotide position 43, causing the arginine (R) at amino acid position 15 to be replaced by a cysteine (C). Based on data from gnomAD, the T allele has an overall frequency of <0.01% (1/247986) total alleles studied. This amino acid position is not well conserved in available vertebrate species. This alteration is predicted to be tolerated by in silico analysis. Based on insufficient or conflicting evidence, the clinical significance of this alteration remains unclear.

Fulgent Genetics
Classification: Uncertain significance for Joubert syndrome 3. Last evaluated: 2021-07-22. Review status: criteria provided, single submitter. Criteria: ACMG Guidelines, 2015. Collection method: clinical testing. Allele origin: unknown.

Blueprint Genetics
Classification: Uncertain significance. Last evaluated: 2018-09-10. Review status: criteria provided, single submitter. Criteria: ACMG Guidelines, 2015. Collection method: clinical testing. Allele origin: germline.

Illumina Laboratory Services, Illumina
Classification: Uncertain significance for Joubert syndrome 3. Last evaluated: 2018-01-13. Review status: criteria provided, single submitter. Criteria: ICSL Variant Classification Criteria 13 December 2019. Collection method: clinical testing. Allele origin: germline.